The following is an entry in ClinVar:

NM_006642.5(SDCCAG8):c.1552A>G (p.Arg518Gly)

Gene: SDCCAG8 (SHH signaling and ciliogenesis regulator SDCCAG8; plus strand). Cytogenetic location: 1q43.
Variant type: single nucleotide variant.
Coding change: c.1552A>G on transcript NM_006642.5 (MANE Select); coding-DNA position 1552, A replaced by G.
Protein change: p.Arg518Gly; replaces arginine 518 with glycine.
Molecular consequence: missense variant.
Genome position (GRCh38, 1-based): chr1:243,378,799, A>G. VCF-style: chr1-243378799-A-G. GRCh37 (hg19) VCF-style: chr1-243542101-A-G.
Other names: c.649A>G, p.Arg217Gly (NM_001350246.2, NM_001350247.2, NM_001350251.2); c.1648A>G, p.Arg550Gly (NM_001350248.2); c.1258A>G, p.Arg420Gly (NM_001350249.2); short protein forms R217G, R518G, R420G, R550G.
Identifiers: ClinVar variation 970802 (VCV000970802.13), dbSNP rs770306576, ClinGen allele CA1483678.

ClinVar aggregate classification (germline): Uncertain significance. Review status: criteria provided, multiple submitters, no conflicts (2 of 4 stars). 3 submissions from 3 submitters: Uncertain significance (3). Last evaluated 2025-09-18.

Conditions:
Bardet-Biedl syndrome 16 (BBS16). Identifiers: Orphanet 110, MedGen C3889474, MONDO:0014444, OMIM 615993.
Senior-Loken syndrome 7 (SLSN7). Identifiers: Orphanet 3156, MedGen C3150877, MONDO:0013326, OMIM 613615.
SDCCAG8-related disorder. Also called: SDCCAG8-Related Disorders; SDCCAG8-related condition.

Allele frequency attached by ClinVar (database versions not stated): ExAC 0.00010; gnomAD exomes 0.00010 and 0.00005; gnomAD 0.00001.
gnomAD v4.1: 71 of 1,614,140 alleles (0.0044%); highest among the groups gnomAD compares: South Asian, 0.069%; no homozygotes.

Submissions (3):

PreventionGenetics, part of Exact Sciences
Classification: Uncertain significance for SDCCAG8-related condition. Last evaluated: 2025-09-18. Review status: criteria provided, single submitter. Criteria: ACMG Guidelines, 2015. Collection method: clinical testing. Allele origin: germline.
Comment: The SDCCAG8 c.1552A>G variant is predicted to result in the amino acid substitution p.Arg518Gly. To our knowledge, this variant has not been reported in the literature. This variant is reported in 0.078% of alleles in individuals of South Asian descent in gnomAD. Although we suspect that this variant may be benign, at this time, the clinical significance of this variant is uncertain due to the absence of conclusive functional and genetic evidence.

Victorian Clinical Genetics Services, Murdoch Childrens Research Institute
Classification: Uncertain significance for Bardet-Biedl syndrome 16. Last evaluated: 2025-03-17. Review status: criteria provided, single submitter. Criteria: ACMG Guidelines, 2015. Collection method: clinical testing. Allele origin: germline. Affected: yes.
Comment: This variant is classified as VUS-3B. Evidence in support of pathogenic classification: Variant is present in gnomAD <0.01 for a recessive condition (v4: 71 heterozygote(s), 0 homozygote(s)). Evidence in support of benign classification: Missense variant predicted to be tolerated by in silico tool(s) or not conserved in placental mammals with a minor amino acid change. Additional information: Variant is predicted to result in a missense amino acid change from arginine to glycine; This variant is heterozygous; This gene is associated with autosomal recessive disease; Previous evidence of pathogenicity for this variant is inconclusive. This variant has been classified as a VUS by a clinical laboratory in ClinVar. In addition, this variant has been reported as a VUS in the literature in an individual compound heterozygous with a pathogenic SDCCAG8 variant; however, it was not considered a phenotype match (PMID: 38132069); No published functional evidence has been identified for this variant; No comparable missense variants have previous evidence for pathogenicity; Variant is located in the annotated CCCAP domain (DECIPHER); Loss of function is a known mechanism of disease in this gene and is associated with Bardet-Biedl syndrome 16 (MIM#615993) and Senior-Loken syndrome 7 (MIM#613615); Inheritance information for this variant is not currently available in this individual.

Labcorp Genetics (formerly Invitae), Labcorp
Classification: Uncertain significance for Bardet-Biedl syndrome 16; Senior-Loken syndrome 7. Last evaluated: 2024-11-06. Review status: criteria provided, single submitter. Criteria: Invitae Variant Classification Sherloc (09022015). Collection method: clinical testing. Allele origin: germline.
Comment: This sequence change replaces arginine, which is basic and polar, with glycine, which is neutral and non-polar, at codon 518 of the SDCCAG8 protein (p.Arg518Gly). This variant is present in population databases (rs770306576, gnomAD 0.08%). This variant has not been reported in the literature in individuals affected with SDCCAG8-related conditions. ClinVar contains an entry for this variant (Variation ID: 970802). Invitae Evidence Modeling of protein sequence and biophysical properties (such as structural, functional, and spatial information, amino acid conservation, physicochemical variation, residue mobility, and thermodynamic stability) indicates that this missense variant is not expected to disrupt SDCCAG8 protein function with a negative predictive value of 80%. In summary, the available evidence is currently insufficient to determine the role of this variant in disease. Therefore, it has been classified as a Variant of Uncertain Significance.

Literature cited by the submitters: PubMed 38132069 (cited by Victorian Clinical Genetics Services, Murdoch Childrens Research Institute).